The following is an entry in ClinVar:

ClinVar aggregate classification (germline): Benign/Likely benign. Review status: criteria provided, multiple submitters, no conflicts (2 of 4 stars). 3 submissions from 3 submitters: Benign (1); Likely benign (1). 1 of the submissions does not count toward it. Last evaluated 2025-07-16.

Conditions:
TRPV4-related disorder. Also called: TRPV4-related disorders; TRPV4-related condition.

Allele frequency attached by ClinVar (database versions not stated): TOPMed 0.00002; ExAC 0.00003; gnomAD 0.00003; gnomAD exomes 0.00003 and 0.00007.
gnomAD v4.1: 112 of 1,611,674 alleles (0.0069%); highest among the groups gnomAD compares: Non-Finnish European, 0.009%; 1 homozygote.

Submissions (3):

Women's Health and Genetics/Laboratory Corporation of America, LabCorp
Classification: Benign. Last evaluated: 2025-07-16. Review status: criteria provided, single submitter. Criteria: LabCorp Variant Classification Summary - May 2015. Collection method: clinical testing. Allele origin: germline.
Comment: Variant summary: TRPV4 c.*8A>C is located in the untranslated mRNA region downstream of the termination codon. The variant allele was found at a frequency of 7e-05 in 1604688 control chromosomes in the gnomAD database, including 1 homozygote. The observed variant frequency is approximately 70-fold of the estimated maximal expected allele frequency for a pathogenic variant in TRPV4 causing TRPV4-Related Hereditary Motor And Sensory Neuropathy phenotype (1e-06). To our knowledge, no occurrence of c.*8A>C in individuals affected with TRPV4-Related Hereditary Motor And Sensory Neuropathy and no experimental evidence demonstrating its impact on protein function have been reported. ClinVar contains an entry for this variant (Variation ID: 391695). Based on the evidence outlined above, the variant was classified as benign.

GeneDx
Classification: Likely benign. Last evaluated: 2020-01-08. Review status: criteria provided, single submitter. Criteria: GeneDx Variant Classification Process June 2021. Collection method: clinical testing. Allele origin: germline. Affected: yes.

PreventionGenetics, part of Exact Sciences
Classification: Likely benign for TRPV4-related condition. Last evaluated: 2019-03-14. Review status: no assertion criteria provided. Collection method: clinical testing. Allele origin: germline. Not counted in ClinVar's aggregate classification.
Comment: This variant is classified as likely benign based on ACMG/AMP sequence variant interpretation guidelines (Richards et al. 2015 PMID: 25741868, with internal and published modifications).

NM_021625.5(TRPV4):c.*8A>C

Gene: TRPV4 (transient receptor potential cation channel subfamily V member 4; minus strand). Cytogenetic location: 12q24.11.
Variant type: single nucleotide variant.
Coding change: c.*8A>C on transcript NM_021625.5 (MANE Select); 8 bases downstream of the stop codon, A replaced by C.
Molecular consequence: 3 prime UTR variant.
Genome position (GRCh38, 1-based): chr12:109,783,613, T>G on the plus strand (A>C on the coding strand, the complement: TRPV4 is on the minus strand). VCF-style: chr12-109783613-T-G. GRCh37 (hg19) VCF-style: chr12-110221418-T-G.
Other names: c.*8A>C (NM_001177428.2, NM_001177431.2, NM_001177433.2 and 1 more transcripts).
Identifiers: ClinVar variation 391695 (VCV000391695.7), dbSNP rs751605215, ClinGen allele CA6779843.